The following is an entry in ClinVar:

ClinVar aggregate classification (germline): Uncertain significance. Review status: criteria provided, multiple submitters, no conflicts (2 of 4 stars). 6 submissions from 6 submitters: Uncertain significance (6). Last evaluated 2025-09-18.

Conditions:
Familial thoracic aortic aneurysm and aortic dissection (TAAD). Also called: Thoracic aortic aneurysms and dissections. Identifiers: Orphanet 91387, MedGen C4707243, MONDO:0019625.
Marfan syndrome (MFS). Also called: FBN1-Related Marfan Syndrome; Marfan syndrome type 1; Marfan's syndrome; Marfan syndrome, classic; MARFAN SYNDROME, TYPE I. Identifiers: Orphanet 284963, Orphanet 558, MedGen C0024796, MONDO:0007947, OMIM 154700.
FBN1-related disorder. Also called: FBN1-related disorders.

Allele frequency attached by ClinVar (database versions not stated): gnomAD 0.00002 and 0.00001; TOPMed 0.00003.
gnomAD v4.1: 31 of 1,613,268 alleles (0.0019%); highest among the groups gnomAD compares: East Asian, 0.018%; no homozygotes.

Submissions (6):

Labcorp Genetics (formerly Invitae), Labcorp
Classification: Uncertain significance for Marfan syndrome; Familial thoracic aortic aneurysm and aortic dissection. Last evaluated: 2025-09-18. Review status: criteria provided, single submitter. Criteria: Invitae Variant Classification Sherloc (09022015). Collection method: clinical testing. Allele origin: germline.
Comment: This sequence change replaces arginine, which is basic and polar, with histidine, which is basic and polar, at codon 122 of the FBN1 protein (p.Arg122His). This variant is present in population databases (no rsID available, gnomAD 0.003%). This missense change has been observed in individual(s) with thoracic aortic aneurysm and/or aortic dissection (PMID: 29543232). ClinVar contains an entry for this variant (Variation ID: 628674). Invitae Evidence Modeling of protein sequence and biophysical properties (such as structural, functional, and spatial information, amino acid conservation, physicochemical variation, residue mobility, and thermodynamic stability) has been performed for this missense variant. However, the output from this modeling did not meet the statistical confidence thresholds required to predict the impact of this variant on FBN1 protein function. In summary, the available evidence is currently insufficient to determine the role of this variant in disease. Therefore, it has been classified as a Variant of Uncertain Significance.

GeneDx
Classification: Uncertain significance. Last evaluated: 2025-07-15. Review status: criteria provided, single submitter. Criteria: GeneDx Variant Classification Process June 2021. Collection method: clinical testing. Allele origin: germline. Affected: yes.
Comment: Observed in association with thoracic aortic aneurysm dissection in the published literature; however, at least one patient had an other genetic variant that was potentially disease-causing (PMID: 29543232, 39185084); Not observed at significant frequency in large population cohorts (gnomAD); In silico analysis suggests that this missense variant does not alter protein structure/function; Does not affect a cysteine or calcium-binding residue within an EGF-like domain or a TGF-binding protein domain of the FBN1 gene; cysteine substitutions in the EGF-like domains represent the majority of pathogenic missense changes associated with FBN1-related disorders (PMID: 12938084); This variant is associated with the following publications: (PMID: 29543232, 12938084, 39185084)

Women's Health and Genetics/Laboratory Corporation of America, LabCorp
Classification: Uncertain significance. Last evaluated: 2024-01-16. Review status: criteria provided, single submitter. Criteria: LabCorp Variant Classification Summary - May 2015. Collection method: clinical testing. Allele origin: germline.
Comment: Variant summary: FBN1 c.365G>A (p.Arg122His) results in a non-conservative amino acid change located in the EGF-like domain (IPR000742) of the encoded protein sequence. Three of five in-silico tools predict a damaging effect of the variant on protein function. The variant allele was found at a frequency of 1.2e-05 in 250860 control chromosomes. The available data on variant occurrences in the general population are insufficient to allow any conclusion about variant significance. c.365G>A has been reported in the literature as a VUS in at least one individual affected with aortic dissection (e.g. Weerakkody_2018). These report(s) do not provide unequivocal conclusions about association of the variant with Aortopathy. To our knowledge, no experimental evidence demonstrating an impact on protein function has been reported. The following publication has been ascertained in the context of this evaluation (PMID: 29543232). ClinVar contains an entry for this variant (Variation ID: 628674). Based on the evidence outlined above, the variant was classified as uncertain significance.

All of Us Research Program, National Institutes of Health
Classification: Uncertain significance for Marfan syndrome. Last evaluated: 2023-10-06. Review status: criteria provided, single submitter. Criteria: ACMG Guidelines, 2015. Collection method: clinical testing. Allele origin: germline. Inheritance: Autosomal dominant inheritance. Observed: 1 variant allele, 1 heterozygote.
Comment: This missense variant replaces arginine with histidine at codon 122 of the FBN1 protein. Computational prediction suggests that this variant may not impact protein structure and function (internally defined REVEL score threshold <= 0.5, PMID: 27666373). To our knowledge, functional studies have not been reported for this variant. This variant has been reported in an individual affected thoracic aortic aneurysm and aortic dissection (PMID: 29543232). This variant has been identified in 3/250860 chromosomes in the general population by the Genome Aggregation Database (gnomAD). The available evidence is insufficient to determine the role of this variant in disease conclusively. Therefore, this variant is classified as a Variant of Uncertain Significance.

This study involves interpretation of variants in research participants for the purpose of population health screening. Participant phenotype was not available at the time of variant classification. Additional details can be found in publication PMID: 35346344, PMCID: PMC8962531

Color Diagnostics, LLC DBA Color Health
Classification: Uncertain significance for Familial thoracic aortic aneurysm and aortic dissection. Last evaluated: 2023-09-28. Review status: criteria provided, single submitter. Criteria: ACMG Guidelines, 2015. Collection method: clinical testing. Allele origin: germline.
Comment: This missense variant replaces arginine with histidine at codon 122 of the FBN1 protein. Computational prediction suggests that this variant may not impact protein structure and function (internally defined REVEL score threshold <= 0.5, PMID: 27666373). To our knowledge, functional studies have not been reported for this variant. This variant has been reported in an individual affected thoracic aortic aneurysm and aortic dissection (PMID: 29543232). This variant has been identified in 3/250860 chromosomes in the general population by the Genome Aggregation Database (gnomAD). The available evidence is insufficient to determine the role of this variant in disease conclusively. Therefore, this variant is classified as a Variant of Uncertain Significance.

PreventionGenetics, part of Exact Sciences
Classification: Uncertain significance for FBN1-related condition. Last evaluated: 2023-07-24. Review status: criteria provided, single submitter. Criteria: ACMG Guidelines, 2015. Collection method: clinical testing. Allele origin: germline.
Comment: The FBN1 c.365G>A variant is predicted to result in the amino acid substitution p.Arg122His. This variant was reported in as a variant of uncertain significance in an individual with thoracic aortic aneurysms and dissections (Table S9, Weerakkody et al. 2018. PubMed ID: 29543232). This variant is reported in 0.0026% of alleles in individuals of European (Non-Finnish) descent in gnomAD. At this time, the clinical significance of this variant is uncertain due to the absence of conclusive functional and genetic evidence.

Literature cited by the submitters: PubMed 29543232 (cited by 4 submitters).

NM_000138.5(FBN1):c.365G>A (p.Arg122His)

Gene: FBN1 (fibrillin 1; minus strand). Cytogenetic location: 15q21.1.
Variant type: single nucleotide variant.
Coding change: c.365G>A on transcript NM_000138.5 (MANE Select); coding-DNA position 365, G replaced by A.
Protein change: p.Arg122His; replaces arginine 122 with histidine.
Molecular consequence: missense variant.
Genome position (GRCh38, 1-based): chr15:48,600,216, C>T on the plus strand (G>A on the coding strand, the complement: FBN1 is on the minus strand). VCF-style: chr15-48600216-C-T. GRCh37 (hg19) VCF-style: chr15-48892413-C-T.
Other names: short protein forms R122H.
Identifiers: ClinVar variation 628674 (VCV000628674.19), dbSNP rs1010750845, ClinGen allele CA270052220.